The following is an entry in ClinVar:

ClinVar aggregate classification (germline): Uncertain significance (1 of 4 stars; one submission).

Submission:

CeGaT Center for Human Genetics Tuebingen
Classification: Uncertain significance. Last evaluated: 2026-07-01. Review status: criteria provided, single submitter. Criteria: CeGaT Center For Human Genetics Tuebingen Variant Classification Criteria Version 2. Collection method: clinical testing. Allele origin: germline. Affected: yes. Observed: 1 variant allele.
Comment: SLC26A4: PM2, PM3:Supporting

NM_000441.2(SLC26A4):c.530A>G (p.Asp177Gly)

Gene: SLC26A4 (solute carrier family 26 member 4; plus strand). Cytogenetic location: 7q22.3.
Variant type: single nucleotide variant.
Coding change: c.530A>G on transcript NM_000441.2 (MANE Select); coding-DNA position 530, A replaced by G.
Protein change: p.Asp177Gly; replaces aspartic acid 177 with glycine.
Molecular consequence: missense variant.
Genome position (GRCh38, 1-based): chr7:107,674,278, A>G. VCF-style: chr7-107674278-A-G. GRCh37 (hg19) VCF-style: chr7-107314723-A-G.
Other names: short protein forms D177G.
Identifiers: ClinVar variation 5040352 (VCV005040352.1).